The following is an entry in ClinVar:

NM_001377.3(DYNC2H1):c.2575-1G>A

Gene: DYNC2H1 (dynein cytoplasmic 2 heavy chain 1; plus strand). Cytogenetic location: 11q22.3.
Variant type: single nucleotide variant.
Coding change: c.2575-1G>A on transcript NM_001377.3 (MANE Select); the canonical splice acceptor site of the intron before coding-DNA position 2575, G replaced by A.
Molecular consequence: splice acceptor variant.
Genome position (GRCh38, 1-based): chr11:103,143,267, G>A. VCF-style: chr11-103143267-G-A. GRCh37 (hg19) VCF-style: chr11-103013996-G-A.
Other names: c.2575-1G>A (NM_001080463.2).
Identifiers: ClinVar variation 3721083 (VCV003721083.2).

ClinVar aggregate classification (germline): Likely pathogenic (1 of 4 stars; one submission).

Conditions:
Jeune thoracic dystrophy. Also called: Short-rib thoracic dysplasia; Jeune syndrome; Infantile thoracic dystrophy; Thoracic pelvic phalangeal dystrophy; Jeune's syndrome; Chondroectodermal dysplasia-like syndrome. Identifiers: Orphanet 474, MedGen C0265275, MONDO:0018770.

gnomAD v4.1: 2 of 1,612,498 alleles (0.00012%); highest among the groups gnomAD compares: Admixed American, 0.0017%; no homozygotes.

Submission:

Labcorp Genetics (formerly Invitae), Labcorp
Classification: Likely pathogenic for Jeune thoracic dystrophy. Last evaluated: 2024-02-08. Review status: criteria provided, single submitter. Criteria: Invitae Variant Classification Sherloc (09022015). Collection method: clinical testing. Allele origin: germline.
Comment: This sequence change affects an acceptor splice site in intron 17 of the DYNC2H1 gene. It is expected to disrupt RNA splicing. Variants that disrupt the donor or acceptor splice site typically lead to a loss of protein function (PMID: 16199547), and loss-of-function variants in DYNC2H1 are known to be pathogenic (PMID: 23339108, 32753734, 33755199). This variant is not present in population databases (gnomAD no frequency). Disruption of this splice site has been observed in individual(s) with short-rib thoracic dysplasia with or without polydactyly (PMID: 28973083). Algorithms developed to predict the effect of sequence changes on RNA splicing suggest that this variant may disrupt the consensus splice site. In summary, the currently available evidence indicates that the variant is pathogenic, but additional data are needed to prove that conclusively. Therefore, this variant has been classified as Likely Pathogenic.

Literature cited by the submitters: PubMed 16199547; PubMed 23339108; PubMed 32753734; PubMed 33755199; PubMed 28973083.